The following is an entry in ClinVar:

ClinVar aggregate classification (germline): Pathogenic (1 of 4 stars; one submission).

Submission:

Labcorp Genetics (formerly Invitae), Labcorp
Classification: Pathogenic. Last evaluated: 2025-11-14. Review status: criteria provided, single submitter. Criteria: Invitae Variant Classification Sherloc (09022015). Collection method: clinical testing. Allele origin: germline.
Comment: This sequence change creates a premature translational stop signal (p.Tyr601Leufs*10) in the SCAF4 gene. It is expected to result in an absent or disrupted protein product. Loss-of-function variants in SCAF4 are known to be pathogenic (PMID: 32730804). This variant is not present in population databases (gnomAD no frequency). This variant has not been reported in the literature in individuals affected with SCAF4-related conditions. Algorithms developed to predict the effect of sequence changes on RNA splicing suggest that this variant may disrupt the consensus splice site. For these reasons, this variant has been classified as Pathogenic.

Literature cited by the submitters: PubMed 32730804.

NM_020706.2(SCAF4):c.1801dup (p.Tyr601fs)

Gene: SCAF4 (SR-related CTD associated factor 4; minus strand). Cytogenetic location: 21q22.11.
Variant type: Duplication.
Coding change: c.1801dup on transcript NM_020706.2 (MANE Select); coding-DNA position 1801, one base duplicated (T; older notation c.1801dupT).
Protein change: p.Tyr601fs; shifts the reading frame from tyrosine 601.
Molecular consequence: frameshift variant.
Genome position (GRCh38, 1-based): chr21:31,690,881, A duplicated on the plus strand (T on the coding strand, the reverse complement: SCAF4 is on the minus strand); the first of 2 consecutive A bases (chr21:31,690,881-31,690,882); duplicating either gives the same sequence. VCF-style (leftmost placement, unchanged base first): chr21-31690880-T-TA. GRCh37 (hg19) VCF-style: chr21-33063193-T-TA.
Other names: c.1756dup, p.Tyr586fs (NM_001145444.1); c.1801dup, p.Tyr601fs (NM_001145445.1); short protein forms Y601fs, Y586fs.
Identifiers: ClinVar variation 4731221 (VCV004731221.1).